The following is an entry in ClinVar:

ClinVar aggregate classification (germline): Uncertain significance (1 of 4 stars; one submission).

Conditions:
Myofibrillar myopathy 5. Also called: Filaminopathy (type); FILAMINOPATHY, AUTOSOMAL DOMINANT. Identifiers: Orphanet 171445, MedGen C1836050, MONDO:0012289, OMIM 609524.
Distal myopathy with posterior leg and anterior hand involvement. Also called: WILLIAMS DISTAL MYOPATHY. Identifiers: Orphanet 63273, MedGen C3279722, MONDO:0013550, OMIM 614065.
Hypertrophic cardiomyopathy 26. Also called: Cardiomyopathy, familial hypertrophic, 26. Identifiers: Orphanet 75249, MedGen C4310749, MONDO:0014883, OMIM 617047.

Submission:

Labcorp Genetics (formerly Invitae), Labcorp
Classification: Uncertain significance for Distal myopathy with posterior leg and anterior hand involvement; Myofibrillar myopathy 5; Hypertrophic cardiomyopathy 26. Last evaluated: 2023-09-26. Review status: criteria provided, single submitter. Criteria: Invitae Variant Classification Sherloc (09022015). Collection method: clinical testing. Allele origin: germline.
Comment: This sequence change replaces cysteine, which is neutral and slightly polar, with tryptophan, which is neutral and slightly polar, at codon 805 of the FLNC protein (p.Cys805Trp). This variant is not present in population databases (gnomAD no frequency). This variant has not been reported in the literature in individuals affected with FLNC-related conditions. Advanced modeling of protein sequence and biophysical properties (such as structural, functional, and spatial information, amino acid conservation, physicochemical variation, residue mobility, and thermodynamic stability) has been performed at Invitae for this missense variant, however the output from this modeling did not meet the statistical confidence thresholds required to predict the impact of this variant on FLNC protein function. In summary, the available evidence is currently insufficient to determine the role of this variant in disease. Therefore, it has been classified as a Variant of Uncertain Significance.

NM_001458.5(FLNC):c.2415C>G (p.Cys805Trp)

Gene: FLNC (filamin C; plus strand). Cytogenetic location: 7q32.1.
Variant type: single nucleotide variant.
Coding change: c.2415C>G on transcript NM_001458.5 (MANE Select); coding-DNA position 2415, C replaced by G.
Protein change: p.Cys805Trp; replaces cysteine 805 with tryptophan.
Molecular consequence: missense variant.
Genome position (GRCh38, 1-based): chr7:128,842,819, C>G. VCF-style: chr7-128842819-C-G. GRCh37 (hg19) VCF-style: chr7-128482873-C-G.
Other names: c.2415C>G, p.Cys805Trp (NM_001127487.2); short protein forms C805W.
Identifiers: ClinVar variation 2952297 (VCV002952297.3), dbSNP rs376800693, ClinGen allele CA369191576.